The following is an entry in ClinVar:

ClinVar aggregate classification (germline): Likely pathogenic (1 of 4 stars; one submission).

Conditions:
Glycine encephalopathy. Also called: Nonketotic hyperglycinemia; Non-ketotic hyperglycinemia. Identifiers: Orphanet 407, MedGen C0751748, MONDO:0011612, HP:0008288.

Submission:

Dubai Health Genomic Medicine Center, Dubai Health
Classification: Likely pathogenic for Glycine encephalopathy. Last evaluated: 2024-10-04. Review status: criteria provided, single submitter. Criteria: ACMG Guidelines, 2015. Collection method: research. Allele origin: germline. Affected: yes.
Comment: PVS1,PM2

NM_000170.3(GLDC):c.1402-2A>T

Gene: GLDC (glycine decarboxylase; minus strand). Cytogenetic location: 9p24.1.
Variant type: single nucleotide variant.
Coding change: c.1402-2A>T on transcript NM_000170.3 (MANE Select); the canonical splice acceptor site of the intron before coding-DNA position 1402, A replaced by T.
Molecular consequence: splice acceptor variant.
Genome position (GRCh38, 1-based): chr9:6,592,225, T>A on the plus strand (A>T on the coding strand, the complement: GLDC is on the minus strand). VCF-style: chr9-6592225-T-A. GRCh37 (hg19) VCF-style: chr9-6592225-T-A.
Identifiers: ClinVar variation 3384127 (VCV003384127.1).